The following is an entry in ClinVar:

NM_058216.3(RAD51C):c.129C>G (p.Pro43=)

Gene: RAD51C (RAD51 paralog C; plus strand). Cytogenetic location: 17q22.
Variant type: single nucleotide variant.
Coding change: c.129C>G on transcript NM_058216.3 (MANE Select); coding-DNA position 129, C replaced by G.
Protein change: p.Pro43=; no amino-acid change (proline 43 retained).
Molecular consequence: synonymous variant. On other transcripts: non-coding transcript variant (1).
Genome position (GRCh38, 1-based): chr17:58,692,772, C>G. VCF-style: chr17-58692772-C-G. GRCh37 (hg19) VCF-style: chr17-56770133-C-G.
Other names: c.129C>G, p.Pro43= (NM_002876.4).
Identifiers: ClinVar variation 471436 (VCV000471436.19), dbSNP rs1555592066, ClinGen allele CA501074395.

ClinVar aggregate classification (germline): Benign/Likely benign. Review status: criteria provided, multiple submitters, no conflicts (2 of 4 stars). 4 submissions from 4 submitters: Benign (1); Likely benign (3). Last evaluated 2026-01-15.

Conditions:
Hereditary cancer-predisposing syndrome. Also called: Tumor predisposition; Neoplastic Syndromes, Hereditary; Hereditary Cancer Syndrome; Hereditary neoplastic syndrome. Identifiers: Orphanet 140162, MedGen C0027672, MeSH D009386, MONDO:0015356.
Fanconi anemia complementation group O. Also called: RAD51C-Related Fanconi Anemia. Identifiers: Orphanet 84, MedGen C3150653, MONDO:0013248, OMIM 613390.
Breast-ovarian cancer, familial, susceptibility to, 3. Also called: RAD51C-Related Breast/Ovarian Cancer. Identifiers: Orphanet 145, MedGen C3150659, MONDO:0013253, OMIM 613399.

Submissions (4):

Labcorp Genetics (formerly Invitae), Labcorp
Classification: Likely benign for Fanconi anemia complementation group O. Last evaluated: 2026-01-15. Review status: criteria provided, single submitter. Criteria: Invitae Variant Classification Sherloc (09022015). Collection method: clinical testing. Allele origin: germline.

Myriad Genetics, Inc.
Classification: Benign for Breast-ovarian cancer, familial, susceptibility to, 3. Last evaluated: 2025-02-14. Review status: criteria provided, single submitter. Criteria: Myriad Autosomal Dominant, Autosomal Recessive and X-Linked Classification Criteria (2023). Collection method: clinical testing. Allele origin: unknown.
Comment: This variant is considered benign. This variant is a silent/synonymous amino acid change and it is not expected to impact splicing.

Color Diagnostics, LLC DBA Color Health
Classification: Likely benign for Hereditary cancer-predisposing syndrome. Last evaluated: 2022-01-27. Review status: criteria provided, single submitter. Criteria: ACMG Guidelines, 2015. Collection method: clinical testing. Allele origin: germline.

Ambry Genetics
Classification: Likely benign for Hereditary cancer-predisposing syndrome. Last evaluated: 2017-07-21. Review status: criteria provided, single submitter. Criteria: Ambry Variant Classification Scheme 2023. Collection method: clinical testing. Allele origin: germline.